The following is an entry in ClinVar:

NM_001001563.5(TIMM50):c.925G>T (p.Ala309Ser)

Gene: TIMM50 (translocase of inner mitochondrial membrane 50; plus strand). Cytogenetic location: 19q13.2.
Variant type: single nucleotide variant.
Coding change: c.925G>T on transcript NM_001001563.5 (MANE Select); coding-DNA position 925, G replaced by T.
Protein change: p.Ala309Ser; replaces alanine 309 with serine.
Molecular consequence: missense variant.
Genome position (GRCh38, 1-based): chr19:39,488,610, G>T. VCF-style: chr19-39488610-G-T. GRCh37 (hg19) VCF-style: chr19-39979250-G-T.
Other names: c.586G>T, p.Ala196Ser (NM_001329559.2); c.1234G>T (NM_001001563.1); short protein forms A309S, A196S.
Identifiers: ClinVar variation 1960708 (VCV001960708.5), dbSNP rs370217104, ClinGen allele CA9432013.

ClinVar aggregate classification (germline): Uncertain significance. Review status: criteria provided, multiple submitters, no conflicts (2 of 4 stars). 2 submissions from 2 submitters: Uncertain significance (2). Last evaluated 2023-09-29.

Conditions:
Inborn genetic diseases. Identifiers: MedGen C0950123, MeSH D030342.

Allele frequency attached by ClinVar (database versions not stated): ExAC 0.00004; ESP Exome Variant Server 0.00008.
gnomAD v4.1: 21 of 1,613,576 alleles (0.0013%); highest among the groups gnomAD compares: Middle Eastern, 0.018%; no homozygotes.

Submissions (2):

Ambry Genetics
Classification: Uncertain significance for Inborn genetic diseases. Last evaluated: 2023-09-29. Review status: criteria provided, single submitter. Criteria: Ambry Variant Classification Scheme 2023. Collection method: clinical testing. Allele origin: germline.

Labcorp Genetics (formerly Invitae), Labcorp
Classification: Uncertain significance. Last evaluated: 2022-05-28. Review status: criteria provided, single submitter. Criteria: Invitae Variant Classification Sherloc (09022015). Collection method: clinical testing. Allele origin: germline.
Comment: This variant is present in population databases (rs370217104, gnomAD 0.01%). This sequence change replaces alanine, which is neutral and non-polar, with serine, which is neutral and polar, at codon 412 of the TIMM50 protein (p.Ala412Ser). This variant has not been reported in the literature in individuals affected with TIMM50-related conditions. In summary, the available evidence is currently insufficient to determine the role of this variant in disease. Therefore, it has been classified as a Variant of Uncertain Significance. Algorithms developed to predict the effect of missense changes on protein structure and function are either unavailable or do not agree on the potential impact of this missense change (SIFT: "Not Available"; PolyPhen-2: "Benign"; Align-GVGD: "Not Available").